The following is an entry in ClinVar:

ClinVar aggregate classification (germline): Uncertain significance (1 of 4 stars; one submission).

Conditions:
Hereditary cancer-predisposing syndrome. Also called: Neoplastic Syndromes, Hereditary; Tumor predisposition; Hereditary Cancer Syndrome; Hereditary neoplastic syndrome. Identifiers: Orphanet 140162, MedGen C0027672, MeSH D009386, MONDO:0015356.

Allele frequency attached by ClinVar (database versions not stated): gnomAD exomes below 0.00001.
gnomAD v4.1: 1 of 1,611,080 alleles (0.000062%); highest among the groups gnomAD compares: South Asian, 0.0011%; no homozygotes.

Submission:

Ambry Genetics
Classification: Uncertain significance for Hereditary cancer-predisposing syndrome. Last evaluated: 2023-02-08. Review status: criteria provided, single submitter. Criteria: Ambry Variant Classification Scheme 2023. Collection method: clinical testing. Allele origin: germline.
Comment: The p.E610G variant (also known as c.1829A>G), located in coding exon 11 of the NBN gene, results from an A to G substitution at nucleotide position 1829. The glutamic acid at codon 610 is replaced by glycine, an amino acid with similar properties. This amino acid position is not well conserved in available vertebrate species. In addition, this alteration is predicted to be tolerated by in silico analysis. Since supporting evidence is limited at this time, the clinical significance of this alteration remains unclear.

NM_002485.5(NBN):c.1829A>G (p.Glu610Gly)

Gene: NBN (nibrin; minus strand). Cytogenetic location: 8q21.3.
Variant type: single nucleotide variant.
Coding change: c.1829A>G on transcript NM_002485.5 (MANE Select); coding-DNA position 1829, A replaced by G.
Protein change: p.Glu610Gly; replaces glutamic acid 610 with glycine.
Molecular consequence: missense variant.
Genome position (GRCh38, 1-based): chr8:89,953,260, T>C on the plus strand (A>G on the coding strand, the complement: NBN is on the minus strand). VCF-style: chr8-89953260-T-C. GRCh37 (hg19) VCF-style: chr8-90965488-T-C.
Other names: c.1583A>G, p.Glu528Gly (NM_001024688.3); short protein forms E528G, E610G.
Identifiers: ClinVar variation 1780899 (VCV001780899.3), dbSNP rs2488228603, ClinGen allele CA371654999.